The following is an entry in ClinVar:

ClinVar aggregate classification (germline): Uncertain significance (1 of 4 stars; one submission).

Conditions:
Cardiovascular phenotype. Identifiers: MedGen CN230736.

gnomAD v4.1: 8 of 1,550,024 alleles (0.00052%); highest among the groups gnomAD compares: Non-Finnish European, 0.00052%; no homozygotes.

Submission:

Ambry Genetics
Classification: Uncertain significance for Cardiovascular phenotype. Last evaluated: 2022-09-05. Review status: criteria provided, single submitter. Criteria: Ambry Variant Classification Scheme 2023. Collection method: clinical testing. Allele origin: germline.
Comment: The p.P873A variant (also known as c.2617C>G), located in coding exon 1 of the ZNF469 gene, results from a C to G substitution at nucleotide position 2617. The proline at codon 873 is replaced by alanine, an amino acid with highly similar properties. This amino acid position is conserved. In addition, this alteration is predicted to be tolerated by in silico analysis. Since supporting evidence is limited at this time, the clinical significance of this alteration remains unclear.

NM_001367624.2(ZNF469):c.2617C>G (p.Pro873Ala)

Gene: ZNF469 (zinc finger protein 469; plus strand). Cytogenetic location: 16q24.2.
Variant type: single nucleotide variant.
Coding change: c.2617C>G on transcript NM_001367624.2 (MANE Select); coding-DNA position 2617, C replaced by G.
Protein change: p.Pro873Ala; replaces proline 873 with alanine.
Molecular consequence: missense variant.
Genome position (GRCh38, 1-based): chr16:88,430,087, C>G. VCF-style: chr16-88430087-C-G. GRCh37 (hg19) VCF-style: chr16-88496495-C-G.
Other names: NM_001127464.1:c.2617C>G; short protein forms P873A.
Identifiers: ClinVar variation 1793871 (VCV001793871.2), dbSNP rs1237408873, ClinGen allele CA397073962.